The following is an entry in ClinVar:

ClinVar aggregate classification (germline): Uncertain significance. Review status: criteria provided, multiple submitters, no conflicts (2 of 4 stars). 2 submissions from 2 submitters: Uncertain significance (2). Last evaluated 2024-12-30.

Conditions:
Autosomal recessive ataxia, Beauce type. Also called: Spinocerebellar ataxia, autosomal recessive 8; ATAXIA, RECESSIVE, OF BEAUCE; SYNE1 Deficiency; SYNE1-Related Autosomal Recessive Cerebellar Ataxia. Identifiers: Orphanet 88644, MedGen C1853116, MONDO:0012549, OMIM 610743.
Emery-Dreifuss muscular dystrophy 4, autosomal dominant (EDMD4). Also called: EMERY-DREIFUSS MUSCULAR DYSTROPHY 4 WITH VARIABLE FEATURES. Identifiers: Orphanet 261, MedGen C2751807, MONDO:0013071, OMIM 612998.

Allele frequency attached by ClinVar (database versions not stated): TOPMed below 0.00001; ExAC 0.00001; gnomAD 0.00001; 1000 Genomes Project 30x 0.00016; 1000 Genomes Project 0.00020.
gnomAD v4.1: 19 of 1,613,620 alleles (0.0012%); highest among the groups gnomAD compares: African/African-American, 0.0067%; no homozygotes.

Submissions (2):

Labcorp Genetics (formerly Invitae), Labcorp
Classification: Uncertain significance for Emery-Dreifuss muscular dystrophy 4, autosomal dominant; Autosomal recessive ataxia, Beauce type. Last evaluated: 2024-12-30. Review status: criteria provided, single submitter. Criteria: Invitae Variant Classification Sherloc (09022015). Collection method: clinical testing. Allele origin: germline.
Comment: This sequence change replaces arginine, which is basic and polar, with histidine, which is basic and polar, at codon 8172 of the SYNE1 protein (p.Arg8172His). This variant is present in population databases (rs150571577, gnomAD 0.008%). This variant has not been reported in the literature in individuals affected with SYNE1-related conditions. ClinVar contains an entry for this variant (Variation ID: 596690). An algorithm developed to predict the effect of missense changes on protein structure and function (PolyPhen-2) suggests that this variant is likely to be disruptive. In summary, the available evidence is currently insufficient to determine the role of this variant in disease. Therefore, it has been classified as a Variant of Uncertain Significance.

Eurofins Ntd Llc (ga)
Classification: Uncertain significance. Last evaluated: 2018-04-04. Review status: criteria provided, single submitter. Criteria: EGL ClinVar v180209 classification definitions. Collection method: clinical testing. Allele origin: germline. Observed: 1 variant allele, 1 heterozygote.

NM_182961.4(SYNE1):c.24728G>A (p.Arg8243His)

Gene: SYNE1 (spectrin repeat containing nuclear envelope protein 1; minus strand). Cytogenetic location: 6q25.2.
Variant type: single nucleotide variant.
Coding change: c.24728G>A on transcript NM_182961.4 (MANE Select); coding-DNA position 24728, G replaced by A.
Protein change: p.Arg8243His; replaces arginine 8243 with histidine.
Molecular consequence: missense variant.
Genome position (GRCh38, 1-based): chr6:152,148,293, C>T on the plus strand (G>A on the coding strand, the complement: SYNE1 is on the minus strand). VCF-style: chr6-152148293-C-T. GRCh37 (hg19) VCF-style: chr6-152469428-C-T.
Other names: c.1334G>A, p.Arg445His (NM_001347701.2); c.1193G>A, p.Arg398His (NM_001347702.2); c.24515G>A, p.Arg8172His (NM_033071.5); short protein forms R8243H, R8172H, R398H, R445H.
Identifiers: ClinVar variation 596690 (VCV000596690.6), dbSNP rs150571577, ClinGen allele CA4053086.